The following is an entry in ClinVar:

ClinVar aggregate classification (germline): Uncertain significance (1 of 4 stars; one submission).

Conditions:
Neuroblastoma, susceptibility to, 3. Also called: ALK-Related Neuroblastic Tumor Susceptibility. Identifiers: Orphanet 635, MedGen C2751681, MONDO:0013083, OMIM 613014.

gnomAD v4.1: 3 of 1,614,160 alleles (0.00019%); highest among the groups gnomAD compares: African/African-American, 0.0013%; no homozygotes.

Submission:

Labcorp Genetics (formerly Invitae), Labcorp
Classification: Uncertain significance for Neuroblastoma, susceptibility to, 3. Last evaluated: 2025-06-05. Review status: criteria provided, single submitter. Criteria: Invitae Variant Classification Sherloc (09022015). Collection method: clinical testing. Allele origin: germline.
Comment: This sequence change replaces glutamine, which is neutral and polar, with lysine, which is basic and polar, at codon 617 of the ALK protein (p.Gln617Lys). This variant is not present in population databases (gnomAD no frequency). This variant has not been reported in the literature in individuals affected with ALK-related conditions. ClinVar contains an entry for this variant (Variation ID: 1051846). An algorithm developed to predict the effect of missense changes on protein structure and function outputs the following: PolyPhen-2: "Benign". The lysine amino acid residue is found in multiple mammalian species, which suggests that this missense change does not adversely affect protein function. In summary, the available evidence is currently insufficient to determine the role of this variant in disease. Therefore, it has been classified as a Variant of Uncertain Significance.

NM_004304.5(ALK):c.1849C>A (p.Gln617Lys)

Gene: ALK (ALK receptor tyrosine kinase; minus strand). Cytogenetic location: 2p23.2.
Variant type: single nucleotide variant.
Coding change: c.1849C>A on transcript NM_004304.5 (MANE Select); coding-DNA position 1849, C replaced by A.
Protein change: p.Gln617Lys; replaces glutamine 617 with lysine.
Molecular consequence: missense variant.
Genome position (GRCh38, 1-based): chr2:29,275,465, G>T on the plus strand (C>A on the coding strand, the complement: ALK is on the minus strand). VCF-style: chr2-29275465-G-T. GRCh37 (hg19) VCF-style: chr2-29498331-G-T.
Other names: short protein forms Q617K.
Identifiers: ClinVar variation 1051846 (VCV001051846.9), dbSNP rs2148215449, ClinGen allele CA346479988.